The following is an entry in ClinVar:

ClinVar aggregate classification (germline): Uncertain significance. Review status: criteria provided, multiple submitters, no conflicts (2 of 4 stars). 2 submissions from 2 submitters: Uncertain significance (2). Last evaluated 2025-11-29.

Conditions:
Hereditary cancer-predisposing syndrome. Also called: Hereditary Cancer Syndrome; Hereditary neoplastic syndrome; Neoplastic Syndromes, Hereditary; Tumor predisposition. Identifiers: Orphanet 140162, MedGen C0027672, MeSH D009386, MONDO:0015356.

Submissions (2):

Ambry Genetics
Classification: Uncertain significance for Hereditary cancer-predisposing syndrome. Last evaluated: 2025-11-29. Review status: criteria provided, single submitter. Criteria: Ambry Variant Classification Scheme 2023. Collection method: clinical testing. Allele origin: germline.
Comment: The p.N1638I variant (also known as c.4913A>T), located in coding exon 37 of the POLE gene, results from an A to T substitution at nucleotide position 4913. The asparagine at codon 1638 is replaced by isoleucine, an amino acid with dissimilar properties. This amino acid position is conserved. In addition, this alteration is predicted to be tolerated by in silico analysis. Based on the available evidence, the clinical significance of this variant remains unclear.

Labcorp Genetics (formerly Invitae), Labcorp
Classification: Uncertain significance. Last evaluated: 2024-07-30. Review status: criteria provided, single submitter. Criteria: Invitae Variant Classification Sherloc (09022015). Collection method: clinical testing. Allele origin: germline.
Comment: This sequence change replaces asparagine, which is neutral and polar, with isoleucine, which is neutral and non-polar, at codon 1638 of the POLE protein (p.Asn1638Ile). This variant is not present in population databases (gnomAD no frequency). This variant has not been reported in the literature in individuals affected with POLE-related conditions. ClinVar contains an entry for this variant (Variation ID: 405782). Advanced modeling of protein sequence and biophysical properties (such as structural, functional, and spatial information, amino acid conservation, physicochemical variation, residue mobility, and thermodynamic stability) performed at Invitae indicates that this missense variant is not expected to disrupt POLE protein function with a negative predictive value of 80%. In summary, the available evidence is currently insufficient to determine the role of this variant in disease. Therefore, it has been classified as a Variant of Uncertain Significance.

NM_006231.4(POLE):c.4913A>T (p.Asn1638Ile)

Gene: POLE (DNA polymerase epsilon, catalytic subunit; minus strand). Cytogenetic location: 12q24.33.
Variant type: single nucleotide variant.
Coding change: c.4913A>T on transcript NM_006231.4 (MANE Select); coding-DNA position 4913, A replaced by T.
Protein change: p.Asn1638Ile; replaces asparagine 1638 with isoleucine.
Molecular consequence: missense variant.
Genome position (GRCh38, 1-based): chr12:132,642,545, T>A on the plus strand (A>T on the coding strand, the complement: POLE is on the minus strand). VCF-style: chr12-132642545-T-A. GRCh37 (hg19) VCF-style: chr12-133219131-T-A.
Other names: c.4913A>T (NM_006231.2); short protein forms N1638I.
Identifiers: ClinVar variation 405782 (VCV000405782.10), dbSNP rs771399151, ClinGen allele CA16613618.